The following is an entry in ClinVar:

NM_002609.4(PDGFRB):c.460C>T (p.Pro154Ser)

Gene: PDGFRB (platelet derived growth factor receptor beta; minus strand). Cytogenetic location: 5q32.
Variant type: single nucleotide variant.
Coding change: c.460C>T on transcript NM_002609.4 (MANE Select); coding-DNA position 460, C replaced by T.
Protein change: p.Pro154Ser; replaces proline 154 with serine.
Molecular consequence: missense variant. On other transcripts: 5 prime UTR variant (1).
Genome position (GRCh38, 1-based): chr5:150,134,921, G>A on the plus strand (C>T on the coding strand, the complement: PDGFRB is on the minus strand). VCF-style: chr5-150134921-G-A. GRCh37 (hg19) VCF-style: chr5-149514484-G-A.
Other names: c.268C>T, p.Pro90Ser (NM_001355016.2); c.-58C>T (NM_001355017.2); short protein forms P154S, P90S.
Identifiers: ClinVar variation 2073601 (VCV002073601.4), dbSNP rs746218367, ClinGen allele CA3508305.

ClinVar aggregate classification (germline): Uncertain significance (1 of 4 stars; one submission).

Conditions:
Infantile myofibromatosis (IMF). Also called: Congenital generalized fibromatosis. Identifiers: Orphanet 2591, MedGen C0432284, MONDO:0016824.
Skeletal overgrowth-craniofacial dysmorphism-hyperelastic skin-white matter lesions syndrome. Also called: SKELETAL OVERGROWTH WITH FACIAL DYSMORPHISM, HYPERELASTIC SKIN, WHITE MATTER LESIONS, AND NEUROLOGIC DETERIORATION; Kosaki overgrowth syndrome. Identifiers: Orphanet 477831, MedGen C4225270, MONDO:0014704, OMIM 616592.
Acroosteolysis-keloid-like lesions-premature aging syndrome. Also called: Premature aging syndrome, Penttinen type; Prematurely aged appearance, delayed bone maturation, acro-osteolysis, and brachydactyly; Progeroid syndrome, Penttinen type. Identifiers: Orphanet 363665, MedGen C1866182, MONDO:0011150, OMIM 601812.
Basal ganglia calcification, idiopathic, 4 (PFBC4). Also called: Familial Idiopathic Basal Ganglia Calcification 4; PRIMARY FAMILIAL BRAIN CALCIFICATION 4, AUTOSOMAL DOMINANT. Identifiers: Orphanet 1980, MedGen C3554321, MONDO:0014004, OMIM 615007.

Allele frequency attached by ClinVar (database versions not stated): TOPMed 0.00004; ExAC 0.00001; gnomAD 0.00002; gnomAD exomes below 0.00001.

Submission:

Labcorp Genetics (formerly Invitae), Labcorp
Classification: Uncertain significance for Basal ganglia calcification, idiopathic, 4; Skeletal overgrowth-craniofacial dysmorphism-hyperelastic skin-white matter lesions syndrome; Infantile myofibromatosis; Acroosteolysis-keloid-like lesions-premature aging syndrome. Last evaluated: 2025-10-21. Review status: criteria provided, single submitter. Criteria: Invitae Variant Classification Sherloc (09022015). Collection method: clinical testing. Allele origin: germline.
Comment: This sequence change replaces proline, which is neutral and non-polar, with serine, which is neutral and polar, at codon 154 of the PDGFRB protein (p.Pro154Ser). This variant is not present in population databases (gnomAD no frequency). This missense change has been observed in individual(s) with primary basal ganglia calcification (PMID: 34494111). ClinVar contains an entry for this variant (Variation ID: 2073601). Invitae Evidence Modeling of protein sequence and biophysical properties (such as structural, functional, and spatial information, amino acid conservation, physicochemical variation, residue mobility, and thermodynamic stability) has been performed for this missense variant. However, the output from this modeling did not meet the statistical confidence thresholds required to predict the impact of this variant on PDGFRB protein function. Experimental studies have shown that this missense change affects PDGFRB function (PMID: 34494111). In summary, the available evidence is currently insufficient to determine the role of this variant in disease. Therefore, it has been classified as a Variant of Uncertain Significance.

Literature cited by the submitters: PubMed 34494111.